The following is an entry in ClinVar:

NM_018089.3(ANKZF1):c.1208C>G (p.Ser403Ter)

Gene: ANKZF1 (ankyrin repeat and zinc finger peptidyl tRNA hydrolase 1; plus strand). Cytogenetic location: 2q35.
Variant type: single nucleotide variant.
Coding change: c.1208C>G on transcript NM_018089.3 (MANE Select); coding-DNA position 1208, C replaced by G.
Protein change: p.Ser403Ter; replaces serine 403 with a stop codon.
Molecular consequence: nonsense.
Genome position (GRCh38, 1-based): chr2:219,234,829, C>G. VCF-style: chr2-219234829-C-G. GRCh37 (hg19) VCF-style: chr2-220099551-C-G.
Other names: c.1208C>G, p.Ser403Ter (NM_001042410.2); c.578C>G, p.Ser193Ter (NM_001282792.2); short protein forms S403*, S193*.
Identifiers: ClinVar variation 2114935 (VCV002114935.4), dbSNP rs747740100, ClinGen allele CA350679482.

ClinVar aggregate classification (germline): Uncertain significance (1 of 4 stars; one submission).

Allele frequency attached by ClinVar (database versions not stated): gnomAD exomes below 0.00001.
gnomAD v4.1: 3 of 1,607,382 alleles (0.00019%); highest among the groups gnomAD compares: Non-Finnish European, 0.00026%; no homozygotes.

Submission:

Labcorp Genetics (formerly Invitae), Labcorp
Classification: Uncertain significance. Last evaluated: 2022-03-20. Review status: criteria provided, single submitter. Criteria: Invitae Variant Classification Sherloc (09022015). Collection method: clinical testing. Allele origin: germline.
Comment: In summary, the available evidence is currently insufficient to determine the role of this variant in disease. Therefore, it has been classified as a Variant of Uncertain Significance. This variant has not been reported in the literature in individuals affected with ANKZF1-related conditions. This variant is present in population databases (no rsID available, gnomAD no frequency). This sequence change creates a premature translational stop signal (p.Ser403*) in the ANKZF1 gene. It is expected to result in an absent or disrupted protein product. However, the current clinical and genetic evidence is not sufficient to establish whether loss-of-function variants in ANKZF1 cause disease.